The following is an entry in ClinVar:

NM_020778.5(ALPK3):c.3284T>C (p.Val1095Ala)

Gene: ALPK3 (alpha kinase 3; plus strand). Cytogenetic location: 15q25.3.
Variant type: single nucleotide variant.
Coding change: c.3284T>C on transcript NM_020778.5 (MANE Select); coding-DNA position 3284, T replaced by C.
Protein change: p.Val1095Ala; replaces valine 1095 with alanine.
Molecular consequence: missense variant.
Genome position (GRCh38, 1-based): chr15:84,858,022, T>C. VCF-style: chr15-84858022-T-C. GRCh37 (hg19) VCF-style: chr15-85401253-T-C.
Other names: short protein forms V1095A.
Identifiers: ClinVar variation 1735898 (VCV001735898.2), dbSNP rs565651005, ClinGen allele CA7709594.
Genomic context (GRCh38, chr15:84,858,022, plus strand): 5'-TGGTAGACGAGGAGGACCCTGGGCTGGCCTCAGAAGGAGCCAGTGAGGGTGAAGGAGAGG[T>C]TTCCCCTGAGGGGCCTGGCCTCCTGGGGGCCTCTCAGGAGAGCAGCATGGCTGGTCGACT-3'
Protein context (NP_065829.4, residues 1085-1105): SEGASEGEGE[Val1095Ala]SPEGPGLLGA

ClinVar aggregate classification (germline): Uncertain significance (1 of 4 stars; one submission).

Conditions:
Cardiovascular phenotype. Identifiers: MedGen CN230736.

Allele frequency attached by ClinVar (database versions not stated): gnomAD exomes below 0.00001; gnomAD 0.00001; 1000 Genomes Project 0.00020; 1000 Genomes Project 30x 0.00031.
gnomAD v4.1: 2 of 1,584,640 alleles (0.00013%); highest among the groups gnomAD compares: African/African-American, 0.0014%; no homozygotes.

Submission:

Ambry Genetics
Classification: Uncertain significance for Cardiovascular phenotype. Last evaluated: 2019-07-15. Review status: criteria provided, single submitter. Criteria: Ambry Variant Classification Scheme 2023. Collection method: clinical testing. Allele origin: germline.
Comment: The p.V1297A variant (also known as c.3890T>C), located in coding exon 6 of the ALPK3 gene, results from a T to C substitution at nucleotide position 3890. The valine at codon 1297 is replaced by alanine, an amino acid with similar properties. This amino acid position is poorly conserved in available vertebrate species. In addition, this alteration is predicted to be tolerated by in silico analysis. Since supporting evidence is limited at this time, the clinical significance of this alteration remains unclear.